The following is an entry in ClinVar:

ClinVar aggregate classification (germline): Uncertain significance. Review status: criteria provided, multiple submitters, no conflicts (2 of 4 stars). 2 submissions from 2 submitters: Uncertain significance (2). Last evaluated 2024-02-17.

Conditions:
Inborn genetic diseases. Identifiers: MedGen C0950123, MeSH D030342.
Developmental and epileptic encephalopathy 94 (DEE94). Also called: CHD2-Related Neurodevelopmental Disorders; Epileptic encephalopathy, childhood-onset. Identifiers: Orphanet 1942, Orphanet 2382, MedGen C3809278, MONDO:0014150, OMIM 615369.

Allele frequency attached by ClinVar (database versions not stated): gnomAD exomes below 0.00001; gnomAD 0.00001.
gnomAD v4.1: 4 of 1,597,062 alleles (0.00025%); highest among the groups gnomAD compares: Admixed American, 0.005%; no homozygotes.

Submissions (2):

Labcorp Genetics (formerly Invitae), Labcorp
Classification: Uncertain significance for Developmental and epileptic encephalopathy 94. Last evaluated: 2024-02-17. Review status: criteria provided, single submitter. Criteria: Invitae Variant Classification Sherloc (09022015). Collection method: clinical testing. Allele origin: germline.
Comment: This sequence change replaces asparagine, which is neutral and polar, with serine, which is neutral and polar, at codon 4 of the CHD2 protein (p.Asn4Ser). This variant is not present in population databases (gnomAD no frequency). This missense change has been observed in individual(s) with clinical features of CHD2-related conditions (Invitae). ClinVar contains an entry for this variant (Variation ID: 1045197). Advanced modeling of protein sequence and biophysical properties (such as structural, functional, and spatial information, amino acid conservation, physicochemical variation, residue mobility, and thermodynamic stability) performed at Invitae indicates that this missense variant is not expected to disrupt CHD2 protein function with a negative predictive value of 95%. In summary, the available evidence is currently insufficient to determine the role of this variant in disease. Therefore, it has been classified as a Variant of Uncertain Significance.

Ambry Genetics
Classification: Uncertain significance for Inborn genetic diseases. Last evaluated: 2018-05-15. Review status: criteria provided, single submitter. Criteria: Ambry Variant Classification Scheme 2023. Collection method: clinical testing. Allele origin: germline.
Comment: The p.N4S variant (also known as c.11A>G), located in coding exon 1 of the CHD2 gene, results from an A to G substitution at nucleotide position 11. The asparagine at codon 4 is replaced by serine, an amino acid with highly similar properties. This amino acid position is well conserved in available vertebrate species; however, serine is the reference amino acid in other vertebrate species. In addition, this alteration is predicted to be tolerated by in silico analysis. Since supporting evidence is limited at this time, the clinical significance of this alteration remains unclear.

NM_001271.4(CHD2):c.11A>G (p.Asn4Ser)

Gene: CHD2 (chromodomain helicase DNA binding protein 2; plus strand). Cytogenetic location: 15q26.1.
Variant type: single nucleotide variant.
Coding change: c.11A>G on transcript NM_001271.4 (MANE Select); coding-DNA position 11, A replaced by G.
Protein change: p.Asn4Ser; replaces asparagine 4 with serine.
Molecular consequence: missense variant.
Genome position (GRCh38, 1-based): chr15:92,901,248, A>G. VCF-style: chr15-92901248-A-G. GRCh37 (hg19) VCF-style: chr15-93444478-A-G.
Other names: c.11A>G, p.Asn4Ser (NM_001042572.3); short protein forms N4S.
Identifiers: ClinVar variation 1045197 (VCV001045197.11), dbSNP rs2052524504, ClinGen allele CA393892343.